The following is an entry in ClinVar:

NM_001048174.2(MUTYH):c.106G>C (p.Ala36Pro)

Gene: MUTYH (mutY DNA glycosylase; minus strand). Cytogenetic location: 1p34.1.
Variant type: single nucleotide variant.
Coding change: c.106G>C on transcript NM_001048174.2 (MANE Select); coding-DNA position 106, G replaced by C.
Protein change: p.Ala36Pro; replaces alanine 36 with proline.
Molecular consequence: missense variant. On other transcripts: 5 prime UTR variant (7), non-coding transcript variant (7).
Genome position (GRCh38, 1-based): chr1:45,334,400, C>G on the plus strand (G>C on the coding strand, the complement: MUTYH is on the minus strand). VCF-style: chr1-45334400-C-G. GRCh37 (hg19) VCF-style: chr1-45800072-C-G.
Other names: c.-107G>C (NM_001293196.2, NM_001293192.2, NM_001407091.1); c.-166G>C (NM_001350650.2); c.-102G>C (NM_001350651.2, NM_001407082.1); c.148G>C, p.Ala50Pro (NM_001407069.1, NM_001128425.2, NM_001293190.2 and 2 more transcripts); c.106G>C, p.Ala36Pro (NM_001407070.1, NM_001407071.1, NM_001407072.1 and 15 more transcripts); c.-51G>C (NM_001407075.1); c.124G>C, p.Ala42Pro (NM_001407087.1); short protein forms A36P, A50P, A42P.
Identifiers: ClinVar variation 4113274 (VCV004113274.1).

ClinVar aggregate classification (germline): Uncertain significance (1 of 4 stars; one submission).

Conditions:
Hereditary cancer-predisposing syndrome. Also called: Tumor predisposition; Neoplastic Syndromes, Hereditary; Hereditary neoplastic syndrome; Hereditary Cancer Syndrome. Identifiers: Orphanet 140162, MedGen C0027672, MeSH D009386, MONDO:0015356.

Submission:

Ambry Genetics
Classification: Uncertain significance for Hereditary cancer-predisposing syndrome. Last evaluated: 2025-08-27. Review status: criteria provided, single submitter. Criteria: Ambry Variant Classification Scheme 2023. Collection method: clinical testing. Allele origin: germline.
Comment: The p.A50P variant (also known as c.148G>C), located in coding exon 2 of the MUTYH gene, results from a G to C substitution at nucleotide position 148. The alanine at codon 50 is replaced by proline, an amino acid with highly similar properties. This amino acid position is conserved. In addition, this alteration is predicted to be tolerated by in silico analysis. Based on the available evidence, the clinical significance of this variant remains unclear.